The following is an entry in ClinVar:

NM_000344.4(SMN1):c.5C>G (p.Ala2Gly)

Gene: SMN1 (survival of motor neuron 1, telomeric). Cytogenetic location: 5q13.2.
Variant type: single nucleotide variant.
Coding change: c.5C>G on transcript NM_000344.4 (MANE Select); coding-DNA position 5, C replaced by G.
Protein change: p.Ala2Gly; replaces alanine 2 with glycine.
Molecular consequence: missense variant.
Genome position (GRCh38, 1-based): chr5:70,925,108, C>G. VCF-style: chr5-70925108-C-G. GRCh37 (hg19) VCF-style: chr5-70220935-C-G.
Other names: c.5C>G, p.Ala2Gly (NM_001297715.1, NM_022874.2); short protein forms A2G.
Identifiers: ClinVar variation 9168 (VCV000009168.9), dbSNP rs1554066397, ClinGen allele CA254681.

ClinVar aggregate classification (germline): Pathogenic. Review status: criteria provided, multiple submitters, no conflicts (2 of 4 stars). 5 submissions from 4 submitters: Pathogenic (3). 2 of the submissions do not count toward it. Last evaluated 2024-12-30.

Conditions:
Spinal muscular atrophy (SMA). Identifiers: MedGen C0026847, MeSH D009134, MONDO:0001516, HP:0007269.
Spinal muscular atrophy, type II (SMA2). Also called: SMA II; MUSCULAR ATROPHY, SPINAL, INFANTILE CHRONIC FORM; MUSCULAR ATROPHY, SPINAL, INTERMEDIATE TYPE. Identifiers: Orphanet 70, Orphanet 83418, MedGen C0393538, MONDO:0009673, OMIM 253550.
Kugelberg-Welander disease (SMA3). Also called: SPINAL MUSCULAR ATROPHY, TYPE III; SMA III; SPINAL MUSCULAR ATROPHY, MILD CHILDHOOD AND ADOLESCENT FORM; KUGELBERG-WELANDER SYNDROME; MUSCULAR ATROPHY, JUVENILE; Juvenile Spinal Muscular Atrophy. Identifiers: Orphanet 70, Orphanet 83419, MedGen C0152109, MONDO:0009672, OMIM 253400.

Allele frequency attached by ClinVar (database versions not stated): gnomAD exomes 0.00053; gnomAD 0.00571.

Submissions (5):

Athena Diagnostics
Classification: Pathogenic. Last evaluated: 2024-12-30. Review status: criteria provided, single submitter. Criteria: Athena Diagnostics Criteria. Collection method: clinical testing. Allele origin: unknown.
Comment: Frequency data for this variant in the Genome Aggregation Database (gnomAD) cannot be distinguished from that of the SMN2 gene, and is therefore uninformative in assessment of variant pathogenicity (Genome Aggregation Database (gnomAD), Cambridge, MA (URL)). This variant has been identified in multiple individuals with SMA types II, III, or IV who also carried a heterozygous pathogenic deletion of exon 7 in the SMN1 gene. Assessment of experimental evidence suggests this variant results in abnormal protein function. (PMID: 12515823)

Women's Health and Genetics/Laboratory Corporation of America, LabCorp
Classification: Pathogenic for Spinal muscular atrophy. Last evaluated: 2024-12-27. Review status: criteria provided, single submitter. Criteria: LabCorp Variant Classification Summary - May 2015. Collection method: clinical testing. Allele origin: germline.
Comment: Variant summary: SMN1 c.5C>G (p.Ala2Gly) results in a non-conservative amino acid change in the encoded protein sequence. Four of four in-silico tools predict a damaging effect of the variant on protein function. The frequency data for this variant in gnomAD is considered unreliable, as metrics indicate poor data quality at this position. c.5C>G has been reported in the literature in multiple individuals affected with Spinal Muscular Atrophy (e.g. Mendonca_2020). These data indicate that the variant is very likely to be associated with disease. The following publication has been ascertained in the context of this evaluation (PMID: 33062891). ClinVar contains an entry for this variant (Variation ID: 9168). Based on the evidence outlined above, the variant was classified as pathogenic.

Molecular Diagnostics Lab, Nemours Children's Health, Delaware
Classification: Pathogenic for Kugelberg-Welander disease. Last evaluated: 2016-02-26. Review status: criteria provided, single submitter. Criteria: ACMG Guidelines, 2015. Collection method: clinical testing. Allele origin: unknown. Affected: yes. Observed: 6 variant alleles. Clinical features observed: proximal muscle weakness, right lower extremity weakness, atrophy.

OMIM
Classification: Pathogenic for SPINAL MUSCULAR ATROPHY, TYPE II. Last evaluated: 1998-12-01. Review status: no assertion criteria provided. Collection method: literature only. Allele origin: germline. Not counted in ClinVar's aggregate classification.

OMIM
Classification: Pathogenic for SPINAL MUSCULAR ATROPHY, TYPE III. Last evaluated: 1998-12-01. Review status: no assertion criteria provided. Collection method: literature only. Allele origin: germline. Not counted in ClinVar's aggregate classification.

Literature cited by the submitters: PubMed 12515823 (cited by Athena Diagnostics); PubMed 21118896 (cited by Athena Diagnostics); PubMed 25716911 (cited by Athena Diagnostics); PubMed 18492800 (cited by Athena Diagnostics); PubMed 17895963 (cited by Athena Diagnostics); PubMed 23112048 (cited by Athena Diagnostics); PubMed 33892995 (cited by Athena Diagnostics); PubMed 33062891 (cited by Athena Diagnostics and Women's Health and Genetics/Laboratory Corporation of America, LabCorp); PubMed 33090613 (cited by Athena Diagnostics); PubMed 9837824 (cited by 3 submitters); PubMed 27425821 (cited by Athena Diagnostics); PubMed 39139818 (cited by Athena Diagnostics).